The following is an entry in ClinVar:

ClinVar aggregate classification (germline): Uncertain significance. Review status: criteria provided, multiple submitters, no conflicts (2 of 4 stars). 3 submissions from 3 submitters: Uncertain significance (3). Last evaluated 2025-10-08.

Conditions:
Arterial calcification, generalized, of infancy, 2. Identifiers: Orphanet 51608, MedGen C3276161, MONDO:0013768, OMIM 614473.
Autosomal recessive inherited pseudoxanthoma elasticum (PXE). Identifiers: Orphanet 758, MedGen CN032334, MONDO:0009925, OMIM 264800.
Pseudoxanthoma elasticum, forme fruste. Also called: PSEUDOXANTHOMA ELASTICUM, HETEROZYGOUS; Pseudoxanthoma Elasticum, Incomplete. Identifiers: Orphanet 758, MedGen C1867450, MONDO:0008333, OMIM 177850.

Allele frequency attached by ClinVar (database versions not stated): ExAC 0.00003; gnomAD 0.00003; gnomAD exomes 0.00004; TOPMed 0.00005.
gnomAD v4.1: 20 of 1,613,604 alleles (0.0012%); highest among the groups gnomAD compares: Admixed American, 0.01%; no homozygotes.

Submissions (3):

Labcorp Genetics (formerly Invitae), Labcorp
Classification: Uncertain significance. Last evaluated: 2025-10-08. Review status: criteria provided, single submitter. Criteria: Invitae Variant Classification Sherloc (09022015). Collection method: clinical testing. Allele origin: germline.
Comment: This sequence change replaces glutamic acid, which is acidic and polar, with lysine, which is basic and polar, at codon 422 of the ABCC6 protein (p.Glu422Lys). This variant is present in population databases (rs770532500, gnomAD 0.01%). This missense change has been observed in individual(s) with pseudoxanthoma elasticum (PMID: 19284998). In at least one individual the data is consistent with being in trans (on the opposite chromosome) from a pathogenic variant. ClinVar contains an entry for this variant (Variation ID: 1371220). Invitae Evidence Modeling of protein sequence and biophysical properties (such as structural, functional, and spatial information, amino acid conservation, physicochemical variation, residue mobility, and thermodynamic stability) indicates that this missense variant is not expected to disrupt ABCC6 protein function with a negative predictive value of 80%. In summary, the available evidence is currently insufficient to determine the role of this variant in disease. Therefore, it has been classified as a Variant of Uncertain Significance.

Genomic Medicine Center of Excellence, King Faisal Specialist Hospital and Research Centre
Classification: Uncertain significance for Autosomal recessive inherited pseudoxanthoma elasticum. Last evaluated: 2024-04-04. Review status: criteria provided, single submitter. Criteria: ACMG Guidelines, 2015. Collection method: clinical testing. Allele origin: germline.

Fulgent Genetics
Classification: Uncertain significance for Pseudoxanthoma elasticum, forme fruste; Autosomal recessive inherited pseudoxanthoma elasticum; Arterial calcification, generalized, of infancy, 2. Last evaluated: 2024-01-26. Review status: criteria provided, single submitter. Criteria: ACMG Guidelines, 2015. Collection method: clinical testing. Allele origin: germline.

Literature cited by the submitters: PubMed 19284998 (cited by Labcorp Genetics (formerly Invitae), Labcorp).

NM_001171.6(ABCC6):c.1264G>A (p.Glu422Lys)

Gene: ABCC6 (ATP binding cassette subfamily C member 6; minus strand). Cytogenetic location: 16p13.11.
Variant type: single nucleotide variant.
Coding change: c.1264G>A on transcript NM_001171.6 (MANE Select); coding-DNA position 1264, G replaced by A.
Protein change: p.Glu422Lys; replaces glutamic acid 422 with lysine.
Molecular consequence: missense variant. On other transcripts: non-coding transcript variant (1).
Genome position (GRCh38, 1-based): chr16:16,198,095, C>T on the plus strand (G>A on the coding strand, the complement: ABCC6 is on the minus strand). VCF-style: chr16-16198095-C-T. GRCh37 (hg19) VCF-style: chr16-16291952-C-T.
Other names: c.922G>A, p.Glu308Lys (NM_001351800.1); short protein forms E422K, E308K.
Identifiers: ClinVar variation 1371220 (VCV001371220.8), dbSNP rs770532500, ClinGen allele CA7926387.
Genomic context (GRCh38, chr16:16,198,095, plus strand): 5'-CGAAGCAGACCACGATCCAGACGAGAGGCAGCCACAGCCCGTTGAGGTAGAGGACGCTCT[C>T]GGTCAGCCGCTGCACGTCCACGGACACCAGATTGACCACATCACCCACCGCACTGGCCTT-3'
Protein context (NP_001162.5, residues 412-432): LVSVDVQRLT[Glu422Lys]SVLYLNGLWL